The following is an entry in ClinVar:

NM_017721.5(CC2D1A):c.1720C>T (p.Arg574Trp)

Gene: CC2D1A (coiled-coil and C2 domain containing 1A; plus strand). Cytogenetic location: 19p13.12.
Variant type: single nucleotide variant.
Coding change: c.1720C>T on transcript NM_017721.5 (MANE Select); coding-DNA position 1720, C replaced by T.
Protein change: p.Arg574Trp; replaces arginine 574 with tryptophan.
Molecular consequence: missense variant.
Genome position (GRCh38, 1-based): chr19:13,923,411, C>T. VCF-style: chr19-13923411-C-T. GRCh37 (hg19) VCF-style: chr19-14034224-C-T.
Other names: c.1720C>T, p.Arg574Trp (NM_001411138.1); short protein forms R574W.
Identifiers: ClinVar variation 1778755 (VCV001778755.2), dbSNP rs527913042, ClinGen allele CA9244769.

ClinVar aggregate classification (germline): Uncertain significance (1 of 4 stars; one submission).

Conditions:
Inborn genetic diseases. Identifiers: MedGen C0950123, MeSH D030342.

Allele frequency attached by ClinVar (database versions not stated): ExAC 0.00001; gnomAD exomes 0.00001; 1000 Genomes Project 30x 0.00016; 1000 Genomes Project 0.00020.
gnomAD v4.1: 13 of 1,613,596 alleles (0.00081%); highest among the groups gnomAD compares: Admixed American, 0.0033%; no homozygotes.

Submission:

Ambry Genetics
Classification: Uncertain significance for Inborn genetic diseases. Last evaluated: 2018-01-04. Review status: criteria provided, single submitter. Criteria: Ambry Variant Classification Scheme 2023. Collection method: clinical testing. Allele origin: germline.
Comment: The p.R574W variant (also known as c.1720C>T), located in coding exon 15 of the CC2D1A gene, results from a C to T substitution at nucleotide position 1720. The arginine at codon 574 is replaced by tryptophan, an amino acid with dissimilar properties. This amino acid position is not well conserved in available vertebrate species. In addition, this alteration is predicted to be tolerated by in silico analysis. Since supporting evidence is limited at this time, the clinical significance of this alteration remains unclear.